The following is an entry in ClinVar:

NM_001256317.3(TMPRSS3):c.356_359del (p.Val119fs)

Gene: TMPRSS3 (transmembrane serine protease 3; minus strand). Cytogenetic location: 21q22.3.
Variant type: Deletion.
Coding change: c.356_359del on transcript NM_001256317.3 (MANE Select); coding-DNA positions 356 to 359, 4 bases deleted (TGTT; older notation c.356_359delTGTT).
Protein change: p.Val119fs; shifts the reading frame from valine 119.
Molecular consequence: frameshift variant. On other transcripts: 5 prime UTR variant (1).
Genome position (GRCh38, 1-based): chr21:42,388,490-42,388,493, AACA deleted on the plus strand (TGTT on the coding strand, the reverse complement: TMPRSS3 is on the minus strand). VCF-style (leftmost placement, unchanged base first): chr21-42388489-GAACA-G. GRCh37 (hg19) VCF-style: chr21-43808598-GAACA-G.
Other names: c.356_359del, p.Val119fs (NM_024022.4, NM_032405.2); c.-26_-23del (NM_032404.3); short protein forms V119fs.
Identifiers: ClinVar variation 2741548 (VCV002741548.3), dbSNP rs2517134334, ClinGen allele CA2697547518.
Genomic context (GRCh38, chr21:42,388,489, plus strand): 5'-AACATTTGCGTAGTGACCCTTCCAGTCATCGGAGCACATGGTCTTCCACGAAGCAGCTGT[GAACA>G]CCTGGAGCACGGCATTCTGACCACCCACCCGGACTGGCCGATGTGCAGAAAGAAAGGCTT-3'

ClinVar aggregate classification (germline): Pathogenic (1 of 4 stars; one submission).

Submission:

Labcorp Genetics (formerly Invitae), Labcorp
Classification: Pathogenic. Last evaluated: 2023-07-11. Review status: criteria provided, single submitter. Criteria: Invitae Variant Classification Sherloc (09022015). Collection method: clinical testing. Allele origin: germline.
Comment: For these reasons, this variant has been classified as Pathogenic. This variant has not been reported in the literature in individuals affected with TMPRSS3-related conditions. This variant is not present in population databases (gnomAD no frequency). This sequence change creates a premature translational stop signal (p.Val119Alafs*32) in the TMPRSS3 gene. It is expected to result in an absent or disrupted protein product. Loss-of-function variants in TMPRSS3 are known to be pathogenic (PMID: 16021470, 26969326).

Literature cited by the submitters: PubMed 16021470; PubMed 26969326.